The following is an entry in ClinVar:

NM_000136.3(FANCC):c.1627T>C (p.Ser543Pro)

Genes: AOPEP (aminopeptidase O (putative); plus strand), FANCC (FA complementation group C; minus strand). Cytogenetic location: 9q22.32.
Variant type: single nucleotide variant.
Coding change: c.1627T>C on transcript NM_000136.3 (MANE Select); coding-DNA position 1627, T replaced by C.
Protein change: p.Ser543Pro; replaces serine 543 with proline.
Molecular consequence: missense variant.
Genome position (GRCh38, 1-based): chr9:95,101,757, A>G on the plus strand (T>C on the coding strand, the complement: FANCC is on the minus strand). VCF-style: chr9-95101757-A-G. GRCh37 (hg19) VCF-style: chr9-97864039-A-G.
Other names: c.1627T>C, p.Ser543Pro (NM_001243743.2); short protein forms S543P.
Identifiers: ClinVar variation 1052199 (VCV001052199.9), dbSNP rs1303872874, ClinGen allele CA374104383.

ClinVar aggregate classification (germline): Uncertain significance (1 of 4 stars; one submission).

Conditions:
Fanconi anemia (FA). Also called: Fanconi's anemia. Identifiers: Orphanet 84, MedGen C0015625, MeSH D005199, MONDO:0019391.

Submission:

Labcorp Genetics (formerly Invitae), Labcorp
Classification: Uncertain significance for Fanconi anemia. Last evaluated: 2020-02-21. Review status: criteria provided, single submitter. Criteria: Invitae Variant Classification Sherloc (09022015). Collection method: clinical testing. Allele origin: germline.
Comment: This variant has not been reported in the literature in individuals with FANCC-related conditions. This sequence change replaces serine with proline at codon 543 of the FANCC protein (p.Ser543Pro). The serine residue is weakly conserved and there is a moderate physicochemical difference between serine and proline. This variant is not present in population databases (ExAC no frequency). Algorithms developed to predict the effect of missense changes on protein structure and function output the following: SIFT: "Tolerated"; PolyPhen-2: "Probably Damaging"; Align-GVGD: "Class C0". The proline amino acid residue is found in multiple mammalian species, suggesting that this missense change does not adversely affect protein function. These predictions have not been confirmed by published functional studies and their clinical significance is uncertain. In summary, the available evidence is currently insufficient to determine the role of this variant in disease. Therefore, it has been classified as a Variant of Uncertain Significance.